The following is an entry in ClinVar:

NM_005359.6(SMAD4):c.1308+2_1308+3insCTTTGATTTGCGTCAGTGTCATCGACAGATGCAGCAGCAGGCGGC

Gene: SMAD4 (SMAD family member 4; plus strand). Cytogenetic location: 18q21.2.
Variant type: Insertion.
Coding change: c.1308+2_1308+3insCTTTGATTTGCGTCAGTGTCATCGACAGATGCAGCAGCAGGCGGC on transcript NM_005359.6 (MANE Select); the canonical splice donor site of the intron after coding-DNA position 1308 through 3 bases into the intron after coding-DNA position 1308, CTTTGATTTGCGTCAGTGTCATCGACAGATGCAGCAGCAGGCGGC inserted.
Molecular consequence: intron variant.
Genome position: GRCh38: chr18:51,067,189-51,067,190. GRCh37 (hg19): chr18:48,593,559-48,593,560.
Other names: c.1308+2_1308+3insCTTTGATTTGCGTCAGTGTCATCGACAGATGCAGCAGCAGGCGGC (NM_001407042.1, NM_001407041.1).
Identifiers: ClinVar variation 3071253 (VCV003071253.2), dbSNP rs751395453, ClinGen allele CA8966032.
Genomic context (GRCh38, chr18:51,067,189, plus strand): 5'-AAGCTGGGCGTGCACCTGGAGATGCTGTTCATAAGATCTACCCAAGTGCATATATAAAGG[T>TCTTTGATTTGCGTCAGTGTCATCGACAGATGCAGCAGCAGGCGGC]TAGTTACAATTTTATTTGAATATTTTAGACTTAAAGCTCTATTTGTTGTCAAAAGAATTG-3'

ClinVar aggregate classification (germline): Uncertain significance (1 of 4 stars; one submission).

Conditions:
Juvenile polyposis/hereditary hemorrhagic telangiectasia syndrome (JPHT). Also called: Juvenile Polyposis Syndrome / Hereditary Hemorrhagic Telangiectasia (JPS/HHT); JP/HHT SYNDROME; JUVENILE POLYPOSIS WITH HEREDITARY HEMORRHAGIC TELANGIECTASIA; POLYPOSIS, GENERALIZED JUVENILE, WITH PULMONARY ARTERIOVENOUS MALFORMATION; TELANGIECTASIA, HEREDITARY HEMORRHAGIC, WITH JUVENILE POLYPOSIS COLI. Identifiers: Orphanet 2929, MedGen C1832942, MONDO:0008278, OMIM 175050.

Submission:

All of Us Research Program, National Institutes of Health
Classification: Uncertain significance for Juvenile polyposis/hereditary hemorrhagic telangiectasia syndrome. Last evaluated: 2024-09-23. Review status: criteria provided, single submitter. Criteria: ACMG Guidelines, 2015. Collection method: clinical testing. Allele origin: germline. Inheritance: Autosomal dominant inheritance. Observed: 9 variant alleles, 9 heterozygotes.
Comment: This variant is an insertion of 45 nucleotides in the splice donor region in intron 10 of the SMAD4 gene. Splice site prediction tools predict that this variant may have a significant impact on RNA splicing. Although this prediction has not been confirmed in published RNA studies, this variant is expected to result in an absent or disrupted protein product. This variant has not been reported in individuals affected with hereditary cancer in the literature. However this variant has been identified in 13/282214 chromosomes in the general population by the Genome Aggregation Database (gnomAD). This frequency in the general population is higher than expected for a SMAD4 pathogenic variant. While loss of SMAD4 function is a known mechanism of disease, the available evidence is insufficient to determine the role of this variant in disease conclusively. Therefore, this variant is classified as a Variant of Uncertain Significance.

This study involves interpretation of variants in research participants for the purpose of population health screening. Participant phenotype was not available at the time of variant classification. Additional details can be found in publication PMID: 35346344, PMCID: PMC8962531